The following is an entry in ClinVar:

ClinVar aggregate classification (germline): Uncertain significance (1 of 4 stars; one submission).

Submission:

Ambry Genetics
Classification: Uncertain significance. Last evaluated: 2025-06-15. Review status: criteria provided, single submitter. Criteria: Ambry Variant Classification Scheme 2023. Collection method: clinical testing. Allele origin: germline.
Comment: The p.S105N variant (also known as c.314G>A), located in coding exon 1 of the MLH3 gene, results from a G to A substitution at nucleotide position 314. The serine at codon 105 is replaced by asparagine, an amino acid with highly similar properties. This amino acid position is conserved. In addition, this alteration is predicted to be tolerated by in silico analysis. Based on the available evidence, the clinical significance of this variant remains unclear.

NM_001040108.2(MLH3):c.314G>A (p.Ser105Asn)

Gene: MLH3 (mutL homolog 3; minus strand). Cytogenetic location: 14q24.3.
Variant type: single nucleotide variant.
Coding change: c.314G>A on transcript NM_001040108.2 (MANE Select); coding-DNA position 314, G replaced by A.
Protein change: p.Ser105Asn; replaces serine 105 with asparagine.
Molecular consequence: missense variant.
Genome position (GRCh38, 1-based): chr14:75,049,342, C>T on the plus strand (G>A on the coding strand, the complement: MLH3 is on the minus strand). VCF-style: chr14-75049342-C-T. GRCh37 (hg19) VCF-style: chr14-75516045-C-T.
Other names: c.314G>A, p.Ser105Asn (NM_014381.3); short protein forms S105N.
Identifiers: ClinVar variation 4108614 (VCV004108614.1).